The following is an entry in ClinVar:

NM_002585.4(PBX1):c.335T>A (p.Leu112Gln)

Gene: PBX1 (PBX homeobox 1; plus strand). Cytogenetic location: 1q23.3.
Variant type: single nucleotide variant.
Coding change: c.335T>A on transcript NM_002585.4 (MANE Select); coding-DNA position 335, T replaced by A.
Protein change: p.Leu112Gln; replaces leucine 112 with glutamine.
Molecular consequence: missense variant.
Genome position (GRCh38, 1-based): chr1:164,792,563, T>A. VCF-style: chr1-164792563-T-A. GRCh37 (hg19) VCF-style: chr1-164761800-T-A.
Other names: c.335T>A, p.Leu112Gln (NM_001204961.2, NM_001204963.2, NM_001353131.2); c.86T>A, p.Leu29Gln (NM_001353130.1); short protein forms L112Q, L29Q.
Identifiers: ClinVar variation 4281869 (VCV004281869.1).
Genomic context (GRCh38, chr1:164,792,563, plus strand): 5'-TCCGAGGAGCCCAGGAGGAGGAACCCACAGACCCCCAGCTGATGCGGCTGGACAACATGC[T>A]GTTAGCGGAAGGCGTGGCGGGGCCTGAGAAGGGCGGAGGGTCGGCGGCAGCGGCGGCAGC-3'
Protein context (NP_002576.1, residues 102-122): DPQLMRLDNM[Leu112Gln]LAEGVAGPEK

ClinVar aggregate classification (germline): Uncertain significance (1 of 4 stars; one submission).

Submission:

GeneDx
Classification: Uncertain significance. Last evaluated: 2025-04-07. Review status: criteria provided, single submitter. Criteria: GeneDx Variant Classification Process June 2021. Collection method: clinical testing. Allele origin: germline. Affected: yes.
Comment: Not observed at significant frequency in large population cohorts (gnomAD); In silico analysis supports that this missense variant has a deleterious effect on protein structure/function; Has not been previously published as pathogenic or benign to our knowledge